The following is an entry in ClinVar:

ClinVar aggregate classification (germline): Pathogenic (1 of 4 stars; one submission).

Conditions:
Cerebral cavernous malformation (CCM). Also called: CAVERNOUS ANGIOMA, FAMILIAL; CAVERNOUS ANGIOMATOUS MALFORMATIONS; CEREBRAL CAPILLARY MALFORMATIONS; Cavernous Hemangioma of Brain; Cerebral cavernous hemangioma (type); Cerebral cavernous malformations. Identifiers: Orphanet 221061, MedGen C2919945, MONDO:0000820, OMIM 116860, HP:0033522.

Submission:

Labcorp Genetics (formerly Invitae), Labcorp
Classification: Pathogenic for Cerebral cavernous malformation. Last evaluated: 2022-08-27. Review status: criteria provided, single submitter. Criteria: Invitae Variant Classification Sherloc (09022015). Collection method: clinical testing. Allele origin: germline.
Comment: For these reasons, this variant has been classified as Pathogenic. This variant has not been reported in the literature in individuals affected with KRIT1-related conditions. This variant is not present in population databases (gnomAD no frequency). This sequence change creates a premature translational stop signal (p.Ser583Ilefs*11) in the KRIT1 gene. It is expected to result in an absent or disrupted protein product. Loss-of-function variants in KRIT1 are known to be pathogenic (PMID: 10508515, 11222804, 12404106, 24689081).

Literature cited by the submitters: PubMed 10508515; PubMed 11222804; PubMed 12404106; PubMed 24689081.

NM_194454.3(KRIT1):c.1742dup (p.Ser583fs)

Gene: KRIT1 (KRIT1 ankyrin repeat containing; minus strand). Cytogenetic location: 7q21.2.
Variant type: Duplication.
Coding change: c.1742dup on transcript NM_194454.3 (MANE Select); coding-DNA position 1742, one base duplicated (T; older notation c.1742dupT).
Protein change: p.Ser583fs; shifts the reading frame from serine 583.
Molecular consequence: frameshift variant.
Genome position (GRCh38, 1-based): chr7:92,213,968, A duplicated on the plus strand (T on the coding strand, the reverse complement: KRIT1 is on the minus strand). VCF-style (leftmost placement, unchanged base first): chr7-92213967-T-TA. GRCh37 (hg19) VCF-style: chr7-91843281-T-TA.
Other names: c.1598dup, p.Ser535fs (NM_001013406.2, NM_001350669.1, NM_001350670.1); c.1028dup, p.Ser345fs (NM_001350671.1); c.1742dup, p.Ser583fs (NM_001350672.1, NM_001350673.1, NM_001350674.1 and 26 more transcripts); short protein forms S345fs, S535fs, S583fs.
Identifiers: ClinVar variation 2017538 (VCV002017538.4), dbSNP rs2535716449, ClinGen allele CA2580077453.
Genomic context (GRCh38, chr7:92,213,967, plus strand): 5'-TATGCGATTTGTCCAGTGAGGTGCCTTACTTTTCAGTTTGGTAACAGGTACGATGGATTT[T>TA]AGATTTTCTTCACTGTAAGCACACATGCCAACATCCTTTAAATAAATCATCTTTAGTAGC-3'